The following is an entry in ClinVar:

ClinVar aggregate classification (germline): Uncertain significance (1 of 4 stars; one submission).

gnomAD v4.1: 3 of 1,611,330 alleles (0.00019%); highest among the groups gnomAD compares: Non-Finnish European, 0.00025%; no homozygotes.

Submission:

Labcorp Genetics (formerly Invitae), Labcorp
Classification: Uncertain significance. Last evaluated: 2024-08-06. Review status: criteria provided, single submitter. Criteria: Invitae Variant Classification Sherloc (09022015). Collection method: clinical testing. Allele origin: germline.
Comment: This sequence change replaces asparagine, which is neutral and polar, with serine, which is neutral and polar, at codon 342 of the KIF11 protein (p.Asn342Ser). This variant is present in population databases (rs772752590, gnomAD 0.0009%). This variant has not been reported in the literature in individuals affected with KIF11-related conditions. Advanced modeling of protein sequence and biophysical properties (such as structural, functional, and spatial information, amino acid conservation, physicochemical variation, residue mobility, and thermodynamic stability) performed at Invitae indicates that this missense variant is not expected to disrupt KIF11 protein function with a negative predictive value of 80%. In summary, the available evidence is currently insufficient to determine the role of this variant in disease. Therefore, it has been classified as a Variant of Uncertain Significance.

NM_004523.4(KIF11):c.1025A>G (p.Asn342Ser)

Gene: KIF11 (kinesin family member 11; plus strand). Cytogenetic location: 10q23.33.
Variant type: single nucleotide variant.
Coding change: c.1025A>G on transcript NM_004523.4 (MANE Select); coding-DNA position 1025, A replaced by G.
Protein change: p.Asn342Ser; replaces asparagine 342 with serine.
Molecular consequence: missense variant.
Genome position (GRCh38, 1-based): chr10:92,613,612, A>G. VCF-style: chr10-92613612-A-G. GRCh37 (hg19) VCF-style: chr10-94373369-A-G.
Other names: short protein forms N342S.
Identifiers: ClinVar variation 3683293 (VCV003683293.2).